The following is an entry in ClinVar:

ClinVar aggregate classification (germline): Pathogenic/Likely pathogenic. Review status: criteria provided, multiple submitters, no conflicts (2 of 4 stars). 4 submissions from 4 submitters: Pathogenic (3); Likely pathogenic (1). Last evaluated 2026-02-26.

Conditions:
Primary ciliary dyskinesia 3. Identifiers: Orphanet 244, MedGen C1837618, MONDO:0012085, OMIM 608644.
Primary ciliary dyskinesia. Also called: Ciliary dyskinesia. Identifiers: Orphanet 244, MedGen C0008780, MONDO:0016575, HP:0012265.

Allele frequency attached by ClinVar (database versions not stated): gnomAD exomes below 0.00001; ExAC 0.00001; TOPMed 0.00001.

Submissions (4):

Myriad Genetics, Inc.
Classification: Pathogenic for Primary ciliary dyskinesia 3. Last evaluated: 2026-02-26. Review status: criteria provided, single submitter. Criteria: Myriad Autosomal Dominant, Autosomal Recessive and X-Linked Classification Criteria (2023). Collection method: clinical testing. Allele origin: unknown.
Comment: NM_001369.2(DNAH5):c.271G>T(E91*) is a nonsense variant classified as pathogenic in the context of primary ciliary dyskinesia, DNAH5-related. E91* has not been observed in cases with relevant disease. Relevant functional assessments of this variant are not available in the literature. E91* has not been observed in referenced population frequency databases. In summary, NM_001369.2(DNAH5):c.271G>T(E91*) is a nonsense variant in a gene where loss of function is a known mechanism of disease and is predicted to disrupt protein function. Please note: this variant was assessed in the context of healthy population screening.

Natera, Inc.
Classification: Likely pathogenic for Primary ciliary dyskinesia. Last evaluated: 2024-11-17. Review status: criteria provided, single submitter. Criteria: Natera Variant Classification Schema (03/2026). Collection method: clinical testing. Allele origin: germline.
Comment: The c.271G>T variant in DNAH5 is a nonsense variant predicted to introduce a stop codon at amino acid 91. This variant is expected to result in nonsense mediated decay, truncation, or a dysfunctional protein product. This variant is rare in the general population with a frequency below the threshold expected for the associated phenotype(s). Given the available evidence, this variant is classified as Likely Pathogenic.

Labcorp Genetics (formerly Invitae), Labcorp
Classification: Pathogenic for Primary ciliary dyskinesia. Last evaluated: 2023-06-09. Review status: criteria provided, single submitter. Criteria: Invitae Variant Classification Sherloc (09022015). Collection method: clinical testing. Allele origin: germline.
Comment: For these reasons, this variant has been classified as Pathogenic. ClinVar contains an entry for this variant (Variation ID: 596293). This variant has not been reported in the literature in individuals affected with DNAH5-related conditions. This variant is present in population databases (rs750649191, gnomAD 0.007%). This sequence change creates a premature translational stop signal (p.Glu91*) in the DNAH5 gene. It is expected to result in an absent or disrupted protein product. Loss-of-function variants in DNAH5 are known to be pathogenic (PMID: 11788826, 16627867).

Eurofins Ntd Llc (ga)
Classification: Pathogenic. Last evaluated: 2018-02-27. Review status: criteria provided, single submitter. Criteria: EGL ClinVar v180209 classification definitions. Collection method: clinical testing. Allele origin: germline. Observed: 2 variant alleles, 2 heterozygotes.

Literature cited by the submitters: PubMed 11788826 (cited by Labcorp Genetics (formerly Invitae), Labcorp); PubMed 16627867 (cited by Labcorp Genetics (formerly Invitae), Labcorp).

NM_001369.3(DNAH5):c.271G>T (p.Glu91Ter)

Gene: DNAH5 (dynein axonemal heavy chain 5; minus strand). Cytogenetic location: 5p15.2.
Variant type: single nucleotide variant.
Coding change: c.271G>T on transcript NM_001369.3 (MANE Select); coding-DNA position 271, G replaced by T.
Protein change: p.Glu91Ter; replaces glutamic acid 91 with a stop codon.
Molecular consequence: nonsense.
Genome position (GRCh38, 1-based): chr5:13,928,100, C>A on the plus strand (G>T on the coding strand, the complement: DNAH5 is on the minus strand). VCF-style: chr5-13928100-C-A. GRCh37 (hg19) VCF-style: chr5-13928209-C-A.
Other names: c.271G>T (NM_001369.2); short protein forms E91*.
Identifiers: ClinVar variation 596293 (VCV000596293.14), dbSNP rs750649191, ClinGen allele CA3205237.